The following is an entry in ClinVar:

ClinVar aggregate classification (germline): Likely benign. Review status: criteria provided, multiple submitters, no conflicts (2 of 4 stars). 4 submissions from 4 submitters: Likely benign (3). 1 of the submissions does not count toward it. Last evaluated 2025-12-08.

Conditions:
KMT2D-related disorder. Also called: KMT2D-Related Disorders.
Inborn genetic diseases. Identifiers: MedGen C0950123, MeSH D030342.
Kabuki syndrome. Also called: Kabuki make-up syndrome; NIIKAWA-KUROKI SYNDROME. Identifiers: Orphanet 2322, MedGen C0796004, MONDO:0016512.

Allele frequency attached by ClinVar (database versions not stated): gnomAD exomes 0.00001 and 0.00005; ExAC 0.00004; gnomAD 0.00021 and 0.00023; TOPMed 0.00021; ESP Exome Variant Server 0.00024.
gnomAD v4.1: 55 of 1,603,912 alleles (0.0034%); highest among the groups gnomAD compares: African/African-American, 0.054%; no homozygotes.

Submissions (4):

Labcorp Genetics (formerly Invitae), Labcorp
Classification: Likely benign for Kabuki syndrome. Last evaluated: 2025-12-08. Review status: criteria provided, single submitter. Criteria: Invitae Variant Classification Sherloc (09022015). Collection method: clinical testing. Allele origin: germline.

Ambry Genetics
Classification: Likely benign for Inborn genetic diseases. Last evaluated: 2024-09-04. Review status: criteria provided, single submitter. Criteria: Ambry Variant Classification Scheme 2023. Collection method: clinical testing. Allele origin: germline.

Blueprint Genetics
Classification: Likely benign. Last evaluated: 2022-07-17. Review status: criteria provided, single submitter. Criteria: ACMG Guidelines, 2015. Collection method: clinical testing. Allele origin: germline.

PreventionGenetics, part of Exact Sciences
Classification: Likely benign for KMT2D-related condition. Last evaluated: 2022-10-19. Review status: no assertion criteria provided. Collection method: clinical testing. Allele origin: germline. Not counted in ClinVar's aggregate classification.
Comment: This variant is classified as likely benign based on ACMG/AMP sequence variant interpretation guidelines (Richards et al. 2015 PMID: 25741868, with internal and published modifications).

NM_003482.4(KMT2D):c.3028G>A (p.Gly1010Arg)

Gene: KMT2D (lysine methyltransferase 2D; minus strand). Cytogenetic location: 12q13.12.
Variant type: single nucleotide variant.
Coding change: c.3028G>A on transcript NM_003482.4 (MANE Select); coding-DNA position 3028, G replaced by A.
Protein change: p.Gly1010Arg; replaces glycine 1010 with arginine.
Molecular consequence: missense variant.
Genome position (GRCh38, 1-based): chr12:49,050,560, C>T on the plus strand (G>A on the coding strand, the complement: KMT2D is on the minus strand). VCF-style: chr12-49050560-C-T. GRCh37 (hg19) VCF-style: chr12-49444343-C-T.
Other names: c.3028G>A (NM_003482.3); short protein forms G1010R.
Identifiers: ClinVar variation 1356599 (VCV001356599.12), dbSNP rs367724004, ClinGen allele CA6548134.